The following is an entry in ClinVar:

ClinVar aggregate classification (germline): Pathogenic/Likely pathogenic. Review status: criteria provided, multiple submitters, no conflicts (2 of 4 stars). 6 submissions from 6 submitters: Pathogenic (3); Likely pathogenic (2). 1 of the submissions does not count toward it. Last evaluated 2024-04-16.

Conditions:
EYS-related disorder. Also called: EYS-related condition.
Retinitis pigmentosa 25 (RP25). Identifiers: Orphanet 791, MedGen C1864446, MONDO:0011272, OMIM 602772.
Retinitis pigmentosa (RP). Identifiers: Orphanet 791, MedGen C0035334, MeSH D012174, MONDO:0019200, OMIM 268000. Inheritance: Autosomal dominant, autosomal recessive and X linked inheritance.

gnomAD v4.1: 4 of 1,609,268 alleles (0.00025%); highest among the groups gnomAD compares: East Asian, 0.0022%; no homozygotes.

Submissions (6):

Blueprint Genetics
Classification: Pathogenic for EYS-related disorders. Last evaluated: 2024-04-16. Review status: criteria provided, single submitter. Criteria: ACMG Guidelines, 2015. Collection method: clinical testing. Allele origin: germline. Affected: yes. Observed: 5 variant alleles.

Natera, Inc.
Classification: Pathogenic for Retinitis pigmentosa type 25. Last evaluated: 2024-03-04. Review status: criteria provided, single submitter. Criteria: Natera Variant Classification Schema (03/2026). Collection method: clinical testing. Allele origin: germline.
Comment: The c.1479C>A variant in EYS is a nonsense variant predicted to introduce a stop codon at amino acid 493. This variant is expected to result in nonsense mediated decay, truncation, or a dysfunctional protein product. This variant is rare in the general population with a frequency below the threshold expected for the associated phenotype(s). This variant has been observed in one or more individuals affected with the associated recessive disease, as either homozygous or compound heterozygous with a second variant (PMID: 37322672). Given the available evidence, this variant is classified as Pathogenic.

Baylor Genetics
Classification: Likely pathogenic for Retinitis pigmentosa 25. Last evaluated: 2024-02-22. Review status: criteria provided, single submitter. Criteria: ACMG Guidelines, 2015. Collection method: clinical testing. Allele origin: unknown.

Labcorp Genetics (formerly Invitae), Labcorp
Classification: Pathogenic. Last evaluated: 2023-12-14. Review status: criteria provided, single submitter. Criteria: Invitae Variant Classification Sherloc (09022015). Collection method: clinical testing. Allele origin: germline.
Comment: This sequence change creates a premature translational stop signal (p.Cys493*) in the EYS gene. It is expected to result in an absent or disrupted protein product. Loss-of-function variants in EYS are known to be pathogenic (PMID: 18836446, 20333770). This variant is present in population databases (no rsID available, gnomAD 0.003%). This variant has not been reported in the literature in individuals affected with EYS-related conditions. ClinVar contains an entry for this variant (Variation ID: 950186). For these reasons, this variant has been classified as Pathogenic.

Revvity Omics, Revvity
Classification: Likely pathogenic for Retinitis pigmentosa 25. Last evaluated: 2022-11-08. Review status: criteria provided, single submitter. Criteria: ACMG Guidelines, 2015. Collection method: clinical testing. Allele origin: germline.

Gen-Eye Clinic, Grow Research Laboratory, Narayana Nethralaya
Classification: Likely pathogenic for Retinitis pigmentosa. Last evaluated: 2025-01-16. Review status: no assertion criteria provided. Collection method: clinical testing. Allele origin: germline. Affected: yes. Not counted in ClinVar's aggregate classification.

Literature cited by the submitters: PubMed 37322672 (cited by Natera, Inc.); PubMed 18836446 (cited by Labcorp Genetics (formerly Invitae), Labcorp); PubMed 20333770 (cited by Labcorp Genetics (formerly Invitae), Labcorp); PubMed 18842627 (cited by Gen-Eye Clinic, Grow Research Laboratory, Narayana Nethralaya).

NM_001142800.2(EYS):c.1479C>A (p.Cys493Ter)

Gene: EYS (EGF-like photoreceptor maintenance factor; minus strand). Cytogenetic location: 6q12.
Variant type: single nucleotide variant.
Coding change: c.1479C>A on transcript NM_001142800.2 (MANE Select); coding-DNA position 1479, C replaced by A.
Protein change: p.Cys493Ter; replaces cysteine 493 with a stop codon.
Molecular consequence: nonsense.
Genome position (GRCh38, 1-based): chr6:65,344,158, G>T on the plus strand (C>A on the coding strand, the complement: EYS is on the minus strand). VCF-style: chr6-65344158-G-T. GRCh37 (hg19) VCF-style: chr6-66054051-G-T.
Other names: c.1479C>A, p.Cys493Ter (NM_001142801.2, NM_001292009.2, NM_198283.2); short protein forms C493*.
Identifiers: ClinVar variation 950186 (VCV000950186.15), dbSNP rs774464019, ClinGen allele CA364661548.